The following is an entry in ClinVar:

NM_000061.3(BTK):c.1790C>T (p.Pro597Leu)

Gene: BTK (Bruton tyrosine kinase; minus strand). Cytogenetic location: Xq22.1.
Variant type: single nucleotide variant.
Coding change: c.1790C>T on transcript NM_000061.3 (MANE Select); coding-DNA position 1790, C replaced by T.
Protein change: p.Pro597Leu; replaces proline 597 with leucine.
Molecular consequence: missense variant.
Genome position (GRCh38, 1-based): chrX:101,353,312, G>A on the plus strand (C>T on the coding strand, the complement: BTK is on the minus strand). VCF-style: chrX-101353312-G-A. GRCh37 (hg19) VCF-style: chrX-100608300-G-A.
Other names: c.1892C>T, p.Pro631Leu (NM_001287344.2); c.1262C>T, p.Pro421Leu (NM_001287345.2); short protein forms P421L, P631L, P597L.
Identifiers: ClinVar variation 3724298 (VCV003724298.3).
Genomic context (GRCh38, chrX:101,353,312, plus strand): 5'-TAGAGACGTAGGCCTTGGGCAATGTGTTCAGCAGTCTCACTGTTAGTAAATCTCTCATAT[G>A]GCATCTTCCCCAGGGAGTAAATTTCCCACATCAAAACCCCTAGAAGGTGAAAAAAATTAT-3'
Protein context (NP_000052.1, residues 587-607): MWEIYSLGKM[Pro597Leu]YERFTNSETA

ClinVar aggregate classification (germline): Likely pathogenic. Review status: criteria provided, multiple submitters, no conflicts (2 of 4 stars). 2 submissions from 2 submitters: Likely pathogenic (2). Last evaluated 2025-02-20.

Conditions:
BTK-related disorder. Also called: BTK-related condition.
X-linked agammaglobulinemia with growth hormone deficiency (IGHD3). Also called: ISOLATED GROWTH HORMONE DEFICIENCY, TYPE III, WITH AGAMMAGLOBULINEMIA; AGAMMAGLOBULINEMIA AND ISOLATED GROWTH HORMONE DEFICIENCY, X-LINKED; FLEISHER SYNDROME; HYPOGAMMAGLOBULINEMIA AND ISOLATED GROWTH HORMONE DEFICIENCY, X-LINKED; IGHD III; Isolated growth hormone deficiency type 3. Identifiers: Orphanet 231692, Orphanet 631, MedGen C0472813, MONDO:0010615, OMIM 307200.

Submissions (2):

PreventionGenetics, part of Exact Sciences
Classification: Likely pathogenic for BTK-related condition. Last evaluated: 2025-02-20. Review status: criteria provided, single submitter. Criteria: ACMG Guidelines, 2015. Collection method: clinical testing. Allele origin: germline.
Comment: The BTK c.1790C>T variant is predicted to result in the amino acid substitution p.Pro597Leu. This variant was reported in an individual with agammaglobulinemia (García-García et al. 2016. PubMed ID: 26960951). A different substitution at this amino acid position (p.Pro597Thr) has been reported as pathogenic (Conley et al. 2005. PubMed ID: 15661032). This variant has not been reported in a large population database (gnomAD), indicating this variant is rare. This variant is interpreted as likely pathogenic.

Labcorp Genetics (formerly Invitae), Labcorp
Classification: Likely pathogenic for X-linked agammaglobulinemia with growth hormone deficiency. Last evaluated: 2024-12-31. Review status: criteria provided, single submitter. Criteria: Invitae Variant Classification Sherloc (09022015). Collection method: clinical testing. Allele origin: germline.
Comment: This sequence change replaces proline, which is neutral and non-polar, with leucine, which is neutral and non-polar, at codon 597 of the BTK protein (p.Pro597Leu). This variant is not present in population databases (gnomAD no frequency). This missense change has been observed in individuals with clinical features of BTK-related conditions (PMID: 26960951; internal data). Invitae Evidence Modeling of protein sequence and biophysical properties (such as structural, functional, and spatial information, amino acid conservation, physicochemical variation, residue mobility, and thermodynamic stability) indicates that this missense variant is expected to disrupt BTK protein function with a positive predictive value of 95%. In summary, the currently available evidence indicates that the variant is pathogenic, but additional data are needed to prove that conclusively. Therefore, this variant has been classified as Likely Pathogenic.

Literature cited by the submitters: PubMed 26960951 (cited by Labcorp Genetics (formerly Invitae), Labcorp).